The following is an entry in ClinVar:

NM_012452.3(TNFRSF13B):c.490T>C (p.Tyr164His)

Gene: TNFRSF13B (TNF receptor superfamily member 13B; minus strand). Cytogenetic location: 17p11.2.
Variant type: single nucleotide variant.
Coding change: c.490T>C on transcript NM_012452.3 (MANE Select); coding-DNA position 490, T replaced by C.
Protein change: p.Tyr164His; replaces tyrosine 164 with histidine.
Molecular consequence: missense variant.
Genome position (GRCh38, 1-based): chr17:16,940,467, A>G on the plus strand (T>C on the coding strand, the complement: TNFRSF13B is on the minus strand). VCF-style: chr17-16940467-A-G. GRCh37 (hg19) VCF-style: chr17-16843781-A-G.
Other names: short protein forms Y164H.
Identifiers: ClinVar variation 3252254 (VCV003252254.1), dbSNP rs2508182428.

ClinVar aggregate classification (germline): Uncertain significance (1 of 4 stars; one submission).

Allele frequency attached by ClinVar (database versions not stated): gnomAD exomes below 0.00001.
gnomAD v4.1: 1 of 1,613,834 alleles (0.000062%); highest among the groups gnomAD compares: East Asian, 0.0022%; no homozygotes.

Submission:

GeneDx
Classification: Uncertain significance. Last evaluated: 2023-10-02. Review status: criteria provided, single submitter. Criteria: GeneDx Variant Classification Process June 2021. Collection method: clinical testing. Allele origin: germline. Affected: yes.
Comment: Not observed at significant frequency in large population cohorts (gnomAD); In silico analysis supports that this missense variant has a deleterious effect on protein structure/function; Has not been previously published as pathogenic or benign to our knowledge